The following is an entry in ClinVar:

ClinVar aggregate classification (germline): Uncertain significance (1 of 4 stars; one submission).

Conditions:
Distal hereditary motor neuropathy type 2. Identifiers: Orphanet 139525, MedGen C3711384, MeSH C580044, MONDO:0015352.

Allele frequency attached by ClinVar (database versions not stated): gnomAD exomes 0.00001.
gnomAD v4.1: 15 of 1,613,550 alleles (0.00093%); highest among the groups gnomAD compares: Admixed American, 0.0017%; no homozygotes.

Submission:

Labcorp Genetics (formerly Invitae), Labcorp
Classification: Uncertain significance for Distal hereditary motor neuropathy type 2. Last evaluated: 2023-07-27. Review status: criteria provided, single submitter. Criteria: Invitae Variant Classification Sherloc (09022015). Collection method: clinical testing. Allele origin: germline.
Comment: In summary, the available evidence is currently insufficient to determine the role of this variant in disease. Therefore, it has been classified as a Variant of Uncertain Significance. Advanced modeling of protein sequence and biophysical properties (such as structural, functional, and spatial information, amino acid conservation, physicochemical variation, residue mobility, and thermodynamic stability) performed at Invitae indicates that this missense variant is not expected to disrupt FBXO38 protein function. ClinVar contains an entry for this variant (Variation ID: 2182538). This variant has not been reported in the literature in individuals affected with FBXO38-related conditions. This variant is present in population databases (no rsID available, gnomAD 0.003%). This sequence change replaces arginine, which is basic and polar, with glutamine, which is neutral and polar, at codon 428 of the FBXO38 protein (p.Arg428Gln).

NM_205836.3(FBXO38):c.1283G>A (p.Arg428Gln)

Gene: FBXO38 (F-box protein 38; plus strand). Cytogenetic location: 5q32.
Variant type: single nucleotide variant.
Coding change: c.1283G>A on transcript NM_205836.3 (MANE Select); coding-DNA position 1283, G replaced by A.
Protein change: p.Arg428Gln; replaces arginine 428 with glutamine.
Molecular consequence: missense variant.
Genome position (GRCh38, 1-based): chr5:148,415,946, G>A. VCF-style: chr5-148415946-G-A. GRCh37 (hg19) VCF-style: chr5-147795509-G-A.
Other names: c.1283G>A, p.Arg428Gln (NM_001271723.2, NM_030793.5); short protein forms R428Q.
Identifiers: ClinVar variation 2182538 (VCV002182538.4), dbSNP rs1164752305, ClinGen allele CA361658998.
Genomic context (GRCh38, chr5:148,415,946, plus strand): 5'-ATGTTACTTAGATTTTCTCTGGTCATGTCATTTCTTTAACAGACCACTCAAGATGGACTC[G>A]ATTGGTTGATATCAACCTAGTACGGTGCCATGCTTTGAAGCTGGACTCTTTTGGCCAGTT-3'
Protein context (NP_995308.1, residues 418-438): NWISDHSRWT[Arg428Gln]LVDINLVRCH